The following is an entry in ClinVar:

ClinVar aggregate classification (germline): Pathogenic (1 of 4 stars; one submission).

Conditions:
CHARGE syndrome (CHARGE). Also called: Hittner Hirsch Kreh syndrome; CHARGE ASSOCIATION--COLOBOMA, HEART ANOMALY, CHOANAL ATRESIA, RETARDATION, GENITAL AND EAR ANOMALIES; Coloboma, heart anomaly, choanal atresia, retardation, genital and ear anomalies; CHARGE association; Hall-Hittner syndrome. Identifiers: Orphanet 138, MedGen C0265354, MONDO:0008965.

Submission:

Labcorp Genetics (formerly Invitae), Labcorp
Classification: Pathogenic for CHARGE syndrome. Last evaluated: 2025-07-09. Review status: criteria provided, single submitter. Criteria: Invitae Variant Classification Sherloc (09022015). Collection method: clinical testing. Allele origin: germline.
Comment: This sequence change creates a premature translational stop signal (p.Val1983Glyfs*4) in the CHD7 gene. It is expected to result in an absent or disrupted protein product. Loss-of-function variants in CHD7 are known to be pathogenic (PMID: 22461308, 25077900). This variant is not present in population databases (gnomAD no frequency). This variant has not been reported in the literature in individuals affected with CHD7-related conditions. For these reasons, this variant has been classified as Pathogenic.

Literature cited by the submitters: PubMed 22461308; PubMed 25077900.

NM_017780.4(CHD7):c.5947dup (p.Val1983fs)

Gene: CHD7 (chromodomain helicase DNA binding protein 7; plus strand). Cytogenetic location: 8q12.2.
Variant type: Duplication.
Coding change: c.5947dup on transcript NM_017780.4 (MANE Select); coding-DNA position 5947, one base duplicated (G; older notation c.5947dupG).
Protein change: p.Val1983fs; shifts the reading frame from valine 1983.
Molecular consequence: frameshift variant. On other transcripts: intron variant (1).
Genome position (GRCh38, 1-based): chr8:60,852,550, G duplicated; the last of 4 consecutive G bases (chr8:60,852,547-60,852,550); duplicating any one gives the same sequence. VCF-style (leftmost placement, unchanged base first): chr8-60852546-T-TG. GRCh37 (hg19) VCF-style: chr8-61765105-T-TG.
Other names: c.1717-9679dup (NM_001316690.1); short protein forms V1983fs.
Identifiers: ClinVar variation 4722935 (VCV004722935.1).